The following is an entry in ClinVar:

ClinVar aggregate classification (germline): Likely pathogenic (1 of 4 stars; one submission).

Submission:

Pediatric Department, Xiangya Hospital, Central South University
Classification: Likely pathogenic. Review status: criteria provided, single submitter. Criteria: ACMG Guidelines, 2015. Collection method: clinical testing. Allele origin: inherited. Affected: yes.
Comment: This variant was observed in compound heterozygosity with variant (c.539delG)

NM_004493.3(HSD17B10):c.628C>G (p.Pro210Ala)

Gene: HSD17B10 (hydroxysteroid 17-beta dehydrogenase 10; minus strand). Cytogenetic location: Xp11.22.
Variant type: single nucleotide variant.
Coding change: c.628C>G on transcript NM_004493.3 (MANE Select); coding-DNA position 628, C replaced by G.
Protein change: p.Pro210Ala; replaces proline 210 with alanine.
Molecular consequence: missense variant.
Genome position (GRCh38, 1-based): chrX:53,431,562, G>C on the plus strand (C>G on the coding strand, the complement: HSD17B10 is on the minus strand). VCF-style: chrX-53431562-G-C. GRCh37 (hg19) VCF-style: chrX-53458510-G-C.
Other names: c.601C>G, p.Pro201Ala (NM_001037811.2); short protein forms P201A, P210A.
Identifiers: ClinVar variation 1802990 (VCV001802990.1), dbSNP rs2521092831, ClinGen allele CA413150887.
Genomic context (GRCh38, chrX:53,431,562, plus strand): 5'-GGTCACCCAGTCGGCTAGGGAAGGGCACTTGGCTGGCCAAGAAGTTGCACACTTTCTCTG[G>C]GAGGCTGGTCAGCAGTGGGGTGCCAAACAGACCTAAACAATATAGCCAAATTCAGAGACT-3'
Protein context (NP_004484.1, residues 200-220): LFGTPLLTSL[Pro210Ala]EKVCNFLASQ